The following is an entry in ClinVar:

ClinVar aggregate classification (germline): Uncertain significance (1 of 4 stars; one submission).

Conditions:
Hereditary cancer-predisposing syndrome. Also called: Neoplastic Syndromes, Hereditary; Tumor predisposition; Hereditary neoplastic syndrome; Hereditary Cancer Syndrome. Identifiers: Orphanet 140162, MedGen C0027672, MeSH D009386, MONDO:0015356.

Submission:

Ambry Genetics
Classification: Uncertain significance for Hereditary cancer-predisposing syndrome. Last evaluated: 2026-08-18. Review status: criteria provided, single submitter. Criteria: Ambry Variant Classification Scheme 2023. Collection method: clinical testing. Allele origin: germline.
Comment: The p.G158E variant (also known as c.473G>A), located in coding exon 4 of the SUFU gene, results from a G to A substitution at nucleotide position 473. The glycine at codon 158 is replaced by glutamic acid, an amino acid with similar properties. This amino acid position is conserved. In addition, this alteration is predicted to be deleterious by in silico analysis. Based on the available evidence, the clinical significance of this variant remains unclear.

NM_016169.4(SUFU):c.473G>A (p.Gly158Glu)

Gene: SUFU (SUFU negative regulator of hedgehog signaling; plus strand). Cytogenetic location: 10q24.32.
Variant type: single nucleotide variant.
Coding change: c.473G>A on transcript NM_016169.4 (MANE Select); coding-DNA position 473, G replaced by A.
Protein change: p.Gly158Glu; replaces glycine 158 with glutamic acid.
Molecular consequence: missense variant.
Genome position (GRCh38, 1-based): chr10:102,592,600, G>A. VCF-style: chr10-102592600-G-A. GRCh37 (hg19) VCF-style: chr10-104352357-G-A.
Other names: c.473G>A, p.Gly158Glu (NM_001178133.2); short protein forms G158E.
Identifiers: ClinVar variation 5030446 (VCV005030446.1).